The following is an entry in ClinVar:

ClinVar aggregate classification (germline): Benign/Likely benign. Review status: criteria provided, multiple submitters, no conflicts (2 of 4 stars). 14 submissions from 14 submitters: Benign (5); Likely benign (8). 1 of the submissions does not count toward it. Last evaluated 2026-02-04.

Conditions:
Polymerase proofreading-related adenomatous polyposis. Also called: Polymerase proofreading associated polyposis; Polymerase proofreading–associated polyposis (PPAP). Identifiers: Orphanet 447877, MedGen C5202613, MONDO:0018653.
Hereditary cancer-predisposing syndrome. Also called: Tumor predisposition; Hereditary Cancer Syndrome; Neoplastic Syndromes, Hereditary; Hereditary neoplastic syndrome. Identifiers: Orphanet 140162, MedGen C0027672, MeSH D009386, MONDO:0015356.
Colorectal cancer, susceptibility to, 12 (CRCS12). Also called: COLORECTAL CANCER, SUSCEPTIBILITY TO, ON CHROMOSOME 12q24. Identifiers: Orphanet 220460, MedGen C3554460, MONDO:0014038, OMIM 615083.

Allele frequency attached by ClinVar (database versions not stated): gnomAD exomes 0.00004 and 0.00014; ExAC 0.00012; TOPMed 0.00019; gnomAD 0.00025.
gnomAD v4.1: 157 of 1,613,634 alleles (0.0097%); highest among the groups gnomAD compares: East Asian, 0.14%; 3 homozygotes.

Submissions (14):

Labcorp Genetics (formerly Invitae), Labcorp
Classification: Benign. Last evaluated: 2026-02-04. Review status: criteria provided, single submitter. Criteria: Invitae Variant Classification Sherloc (09022015). Collection method: clinical testing. Allele origin: germline.

Mayo Clinic Laboratories, Mayo Clinic
Classification: Likely benign. Last evaluated: 2025-10-15. Review status: criteria provided, single submitter. Criteria: ACMG Guidelines, 2015. Collection method: clinical testing. Allele origin: germline. Observed: 1 variant allele.
Comment: BS1, BP4, BP7

Center for Genomic Medicine, Rigshospitalet, Copenhagen University Hospital
Classification: Likely benign. Last evaluated: 2025-03-04. Review status: criteria provided, single submitter. Criteria: ACMG Guidelines, 2015. Collection method: clinical testing. Allele origin: germline.

Myriad Genetics, Inc.
Classification: Benign for Colorectal cancer, susceptibility to, 12. Last evaluated: 2025-02-11. Review status: criteria provided, single submitter. Criteria: Myriad Autosomal Dominant, Autosomal Recessive and X-Linked Classification Criteria (2023). Collection method: clinical testing. Allele origin: unknown.
Comment: This variant is considered benign. This variant is a silent/synonymous amino acid change and it is not expected to impact splicing.

CeGaT Center for Human Genetics Tuebingen
Classification: Likely benign. Last evaluated: 2025-02-01. Review status: criteria provided, single submitter. Criteria: CeGaT Center For Human Genetics Tuebingen Variant Classification Criteria Version 2. Collection method: clinical testing. Allele origin: germline. Affected: yes. Observed: 1 variant allele.
Comment: POLE: BP4, BP7

Blueprint Genetics
Classification: Likely benign. Last evaluated: 2024-11-06. Review status: criteria provided, single submitter. Criteria: ACMG Guidelines, 2015. Collection method: clinical testing. Allele origin: germline.

KCCC/NGS Laboratory, Kuwait Cancer Control Center
Classification: Benign for Colorectal cancer, susceptibility to, 12. Last evaluated: 2023-07-07. Review status: criteria provided, single submitter. Criteria: ACMG Guidelines, 2015. Collection method: clinical testing. Allele origin: germline. Affected: yes.

GeneDx
Classification: Likely benign. Last evaluated: 2021-09-20. Review status: criteria provided, single submitter. Criteria: GeneDx Variant Classification Process June 2021. Collection method: clinical testing. Allele origin: germline. Affected: yes.
Comment: This variant is associated with the following publications: (PMID: 28776572)

Sema4
Classification: Likely benign for Hereditary cancer-predisposing syndrome. Last evaluated: 2021-06-23. Review status: criteria provided, single submitter. Criteria: Sema4 Curation Guidelines. Collection method: curation. Allele origin: germline.

Women's Health and Genetics/Laboratory Corporation of America, LabCorp
Classification: Benign. Last evaluated: 2020-09-04. Review status: criteria provided, single submitter. Criteria: LabCorp Variant Classification Summary - May 2015. Collection method: clinical testing. Allele origin: germline.

Quest Diagnostics Nichols Institute San Juan Capistrano
Classification: Benign. Last evaluated: 2017-10-16. Review status: criteria provided, single submitter. Criteria: Quest Diagnostics criteria. Collection method: clinical testing. Allele origin: germline.

PreventionGenetics, part of Exact Sciences
Classification: Likely benign. Last evaluated: 2017-05-04. Review status: criteria provided, single submitter. Criteria: ACMG Guidelines, 2015. Collection method: clinical testing. Allele origin: germline.

Ambry Genetics
Classification: Likely benign for Hereditary cancer-predisposing syndrome. Last evaluated: 2015-06-28. Review status: criteria provided, single submitter. Criteria: Ambry Variant Classification Scheme 2023. Collection method: clinical testing. Allele origin: germline.

Department of Pathology and Laboratory Medicine, Sinai Health System
Classification: Likely benign for Polymerase proofreading-related adenomatous polyposis. Review status: no assertion criteria provided. Collection method: clinical testing. Allele origin: unknown. Affected: yes. Study: The Canadian Open Genetics Repository (COGR). Not counted in ClinVar's aggregate classification.
Comment: The POLE p.Leu469= variant was not identified in the literature. The variant was identified in dbSNP (ID: rs368303888) as â€šÃ„ÃºWith Likely benign, Uncertain significance alleleâ€šÃ„Ã¹ (a C>G substitution at this position has also been observed), in ClinVar (classified as benign by Invitae and Quest Diagnostics; and as likely benign by GeneDx, Ambry Genetics and Prevention Genetics). The variant was identified in control databases in 39 of 277232 chromosomes at a frequency of 0.0001 (Genome Aggregation Database Feb 27, 2017). The variant was observed in the following populations: Other in 5 of 6468 chromosomes (freq: 0.0008), Latino in 3 of 34420 chromosomes (freq: 0.00009), European Non-Finnish in 1 of 126718 chromosomes (freq: 0.000008), East Asian in 30 of 18870 chromosomes (freq: 0.002), while the variant was not observed in the African, Ashkenazi Jewish, Finnish, and South Asian populations. The p.Leu469= variant is not expected to have clinical significance because it does not result in a change of amino acid and is not located in a known consensus splice site. In addition, in silico or computational prediction software programs (SpliceSiteFinder, MaxEntScan, NNSPLICE, GeneSplicer) do not predict a difference in splicing. The nucleotide is not highly conserved and a C>T substitution has been observed in at least 2 mammalian species. In summary, based on the above information the clinical significance of this variant cannot be determined with certainty at this time although we would lean towards a more benign role for this variant. This variant is classified as likely benign.

NM_006231.4(POLE):c.1405C>T (p.Leu469=)

Gene: POLE (DNA polymerase epsilon, catalytic subunit; minus strand). Cytogenetic location: 12q24.33.
Variant type: single nucleotide variant.
Coding change: c.1405C>T on transcript NM_006231.4 (MANE Select); coding-DNA position 1405, C replaced by T.
Protein change: p.Leu469=; no amino-acid change (leucine 469 retained).
Molecular consequence: synonymous variant.
Genome position (GRCh38, 1-based): chr12:132,673,232, G>A on the plus strand (C>T on the coding strand, the complement: POLE is on the minus strand). VCF-style: chr12-132673232-G-A. GRCh37 (hg19) VCF-style: chr12-133249818-G-A.
Other names: p.Leu469=.
Identifiers: ClinVar variation 240392 (VCV000240392.56), dbSNP rs368303888, ClinGen allele CA6893966.